The following is an entry in ClinVar:

NM_000077.5(CDKN2A):c.2T>G (p.Met1Arg)

Genes: CDKN2A (cyclin dependent kinase inhibitor 2A; minus strand), LOC130001603 (ATAC-STARR-seq lymphoblastoid silent region 19811; plus strand). Cytogenetic location: 9p21.3.
Variant type: single nucleotide variant.
Coding change: c.2T>G on transcript NM_000077.5; coding-DNA position 2, T replaced by G.
Protein change: p.Met1Arg; changes the start codon (methionine 1).
Molecular consequence: missense variant (on NM_000077.6). On other transcripts: initiator codon variant (2), intron variant (2).
Genome position (GRCh38, 1-based): chr9:21,974,826, A>C on the plus strand (T>G on the coding strand, the complement: CDKN2A is on the minus strand). VCF-style: chr9-21974826-A-C. GRCh37 (hg19) VCF-style: chr9-21974825-A-C.
Other names: c.2T>G, p.Met1Arg (NM_000077.6, NM_001195132.2, NM_058197.5); c.-3-3618T>G (NM_001363763.2); c.194-3618T>G (NM_058195.4); short protein forms M1R.
Identifiers: ClinVar variation 660169 (VCV000660169.15), dbSNP rs759871071, ClinGen allele CA373086745.

ClinVar aggregate classification (germline): Uncertain significance. Review status: criteria provided, multiple submitters, no conflicts (2 of 4 stars). 3 submissions from 3 submitters: Uncertain significance (3). Last evaluated 2024-04-10.

Conditions:
Hereditary cancer-predisposing syndrome. Also called: Neoplastic Syndromes, Hereditary; Hereditary Cancer Syndrome; Tumor predisposition; Hereditary neoplastic syndrome. Identifiers: Orphanet 140162, MedGen C0027672, MeSH D009386, MONDO:0015356.
Familial melanoma. Also called: Hereditary melanoma; Hereditary cutaneous melanoma. Identifiers: Orphanet 618, MedGen C1512419, MONDO:0018961.

Submissions (3):

Ambry Genetics
Classification: Uncertain significance for Hereditary cancer-predisposing syndrome. Last evaluated: 2024-04-10. Review status: criteria provided, single submitter. Criteria: Ambry Variant Classification Scheme 2023. Collection method: clinical testing. Allele origin: germline.
Comment: The p.M1? variant (also known as c.2T>G), located in coding exon 1 of the CDKN2A gene, results from a T to G substitution at nucleotide position 2. This alters the methionine residue at the initiation codon. Variations that modify the initiation codon (ATG) are expected to result in either loss of translation initiation, N-terminal truncation, or cause a shift in the mRNA reading frame; however, there is an alternate in-frame methionine nine amino acids from the initiation site and the significance of the N-terminus for this protein is not well established. This variant has been reported in the literature in an individual with non-familial melanoma (Ghiorzo P et al. Exp. Dermatol., 2012 Sep;21:718-20). This amino acid position is not well conserved on limited sequence alignment. Based on the available evidence, the clinical significance of this variant remains unclear.

Labcorp Genetics (formerly Invitae), Labcorp
Classification: Uncertain significance for Familial melanoma. Last evaluated: 2023-02-23. Review status: criteria provided, single submitter. Criteria: Invitae Variant Classification Sherloc (09022015). Collection method: clinical testing. Allele origin: germline.
Comment: In summary, the available evidence is currently insufficient to determine the role of this variant in disease. Therefore, it has been classified as a Variant of Uncertain Significance. ClinVar contains an entry for this variant (Variation ID: 660169). Disruption of the initiator codon has been observed in individual(s) with cutaneous melanoma (PMID: 22804906). This variant is not present in population databases (gnomAD no frequency). This sequence change affects the initiator methionine of the CDKN2A (p16INK4a) mRNA. The next in-frame methionine is located at codon 9.

Color Diagnostics, LLC DBA Color Health
Classification: Uncertain significance for Hereditary cancer-predisposing syndrome. Last evaluated: 2020-03-16. Review status: criteria provided, single submitter. Criteria: ACMG Guidelines, 2015. Collection method: clinical testing. Allele origin: germline.
Comment: This variant affects the initiator methionine in the CDKN2A (p16INK4A) mRNA. Another in-frame methionine is located at codon 9, which may be able to rescue translation intiation. To our knowledge, functional studies have not been reported for this variant. This variant has been reported in one individual affected with cutaneous melanoma in the literature (PMID: 22804906). This variant has not been identified in the general population by the Genome Aggregation Database (gnomAD). The available evidence is insufficient to determine the role of this variant in disease conclusively. Therefore, this variant is classified as a Variant of Uncertain Significance.

Literature cited by the submitters: PubMed 22804906 (cited by Ambry Genetics and Labcorp Genetics (formerly Invitae), Labcorp).